The following is an entry in ClinVar:

ClinVar aggregate classification (germline): Pathogenic (1 of 4 stars; one submission).

Submission:

Labcorp Genetics (formerly Invitae), Labcorp
Classification: Pathogenic. Last evaluated: 2024-01-21. Review status: criteria provided, single submitter. Criteria: Invitae Variant Classification Sherloc (09022015). Collection method: clinical testing. Allele origin: germline.
Comment: This sequence change creates a premature translational stop signal (p.Ile11Metfs*14) in the LZTR1 gene. It is expected to result in an absent or disrupted protein product. Loss-of-function variants in LZTR1 are known to be pathogenic (PMID: 24362817, 25335493, 25480913, 25795793, 29469822, 30368668, 30442762, 30442766, 30481304, 30859559). This variant is not present in population databases (gnomAD no frequency). This variant has not been reported in the literature in individuals affected with LZTR1-related conditions. For these reasons, this variant has been classified as Pathogenic.

Literature cited by the submitters: PubMed 24362817; PubMed 25335493; PubMed 25480913; PubMed 25795793; PubMed 29469822; PubMed 30368668; PubMed 30442762; PubMed 30442766; PubMed 30481304; PubMed 30859559.

NM_006767.4(LZTR1):c.33del (p.Ile11fs)

Genes: LZTR1 (leucine zipper like post translational regulator 1; plus strand), LOC130067016 (ATAC-STARR-seq lymphoblastoid silent region 13504; plus strand). Cytogenetic location: 22q11.21.
Variant type: Deletion.
Coding change: c.33del on transcript NM_006767.4 (MANE Select); coding-DNA position 33, one base deleted (C; older notation c.33delC).
Protein change: p.Ile11fs; shifts the reading frame from isoleucine 11.
Molecular consequence: frameshift variant.
Genome position (GRCh38, 1-based): chr22:20,982,404, C deleted. VCF-style (leftmost placement, unchanged base first): chr22-20982403-TC-T. GRCh37 (hg19) VCF-style: chr22-21336692-TC-T.
Other names: short protein forms I11fs.
Identifiers: ClinVar variation 2710609 (VCV002710609.3), dbSNP rs2518607641, ClinGen allele CA2697547685.
Genomic context (GRCh38, chr22:20,982,403, plus strand): 5'-CAGCGCGGCCGATCCGGCGTGGACCCGGGATGGCTGGACCGGGCAGCACGGGGGGGCAGA[TC>T]GGGGCTGCGGCCCTGGCAGGCGGCGCGCGGTCCAAGGTAGCCCCGAGCGTGGACTTCGAC-3'